The following is an entry in ClinVar:

ClinVar aggregate classification (germline): Likely pathogenic (1 of 4 stars; one submission).

Submission:

Labcorp Genetics (formerly Invitae), Labcorp
Classification: Likely pathogenic. Last evaluated: 2024-02-09. Review status: criteria provided, single submitter. Criteria: Invitae Variant Classification Sherloc (09022015). Collection method: clinical testing. Allele origin: germline.
Comment: This sequence change affects an acceptor splice site in intron 31 of the CDH23 gene. It is expected to disrupt RNA splicing. Variants that disrupt the donor or acceptor splice site typically lead to a loss of protein function (PMID: 16199547), and loss-of-function variants in CDH23 are known to be pathogenic (PMID: 11138009, 21940737). This variant is not present in population databases (gnomAD no frequency). This variant has not been reported in the literature in individuals affected with CDH23-related conditions. Algorithms developed to predict the effect of sequence changes on RNA splicing suggest that this variant may disrupt the consensus splice site. In summary, the currently available evidence indicates that the variant is pathogenic, but additional data are needed to prove that conclusively. Therefore, this variant has been classified as Likely Pathogenic.

Literature cited by the submitters: PubMed 16199547; PubMed 11138009; PubMed 21940737.

NM_022124.6(CDH23):c.3716-2A>G

Genes: C10orf105 (chromosome 10 open reading frame 105; minus strand), CDH23 (cadherin related 23; plus strand). Cytogenetic location: 10q22.1.
Variant type: single nucleotide variant.
Coding change: c.3716-2A>G on transcript NM_022124.6 (MANE Select); the canonical splice acceptor site of the intron before coding-DNA position 3716, A replaced by G.
Molecular consequence: splice acceptor variant. On other transcripts: intron variant (1).
Genome position (GRCh38, 1-based): chr10:71,731,985, A>G. VCF-style: chr10-71731985-A-G. GRCh37 (hg19) VCF-style: chr10-73491742-A-G.
Other names: c.3716-2A>G (NM_001171930.2); c.-6+5743T>C (NM_001168390.2).
Identifiers: ClinVar variation 3638761 (VCV003638761.2).